The following is an entry in ClinVar:

ClinVar aggregate classification (germline): Likely benign. Review status: criteria provided, multiple submitters, no conflicts (2 of 4 stars). 2 submissions from 2 submitters: Likely benign (2). Last evaluated 2022-10-21.

Conditions:
Nemaline myopathy 2 (NEM2). Also called: Nemaline myopathy 2, autosomal recessive. Identifiers: MedGen C1850569, MONDO:0009725, OMIM 256030.

Allele frequency attached by ClinVar (database versions not stated): gnomAD 0.00001.
gnomAD v4.1: 2 of 1,612,728 alleles (0.00012%); highest among the groups gnomAD compares: East Asian, 0.0022%; no homozygotes.

Submissions (2):

Labcorp Genetics (formerly Invitae), Labcorp
Classification: Likely benign for Nemaline myopathy 2. Last evaluated: 2022-10-21. Review status: criteria provided, single submitter. Criteria: Invitae Variant Classification Sherloc (09022015). Collection method: clinical testing. Allele origin: germline.

CeGaT Center for Human Genetics Tuebingen
Classification: Likely benign. Last evaluated: 2022-09-01. Review status: criteria provided, single submitter. Criteria: CeGaT Center For Human Genetics Tuebingen Variant Classification Criteria Version 2. Collection method: clinical testing. Allele origin: germline. Affected: yes. Observed: 1 variant allele.
Comment: NEB: BP4

NM_001164508.2(NEB):c.21712G>A (p.Asp7238Asn)

Genes: NEB (nebulin; minus strand), RIF1 (replication timing regulatory factor 1; plus strand). Cytogenetic location: 2q23.3.
Variant type: single nucleotide variant.
Coding change: c.21712G>A on transcript NM_001164508.2 (MANE Select); coding-DNA position 21712, G replaced by A.
Protein change: p.Asp7238Asn; replaces aspartic acid 7238 with asparagine.
Molecular consequence: missense variant.
Genome position (GRCh38, 1-based): chr2:151,529,233, C>T on the plus strand (G>A on the coding strand, the complement: NEB is on the minus strand). VCF-style: chr2-151529233-C-T. GRCh37 (hg19) VCF-style: chr2-152385747-C-T.
Other names: c.21712G>A, p.Asp7238Asn (NM_001164507.2); c.21817G>A, p.Asp7273Asn (NM_001271208.2); c.16609G>A, p.Asp5537Asn (NM_004543.5); short protein forms D7238N, D7273N, D5537N.
Identifiers: ClinVar variation 1995419 (VCV001995419.28), dbSNP rs1454335557, ClinGen allele CA348769721.